The following is an entry in ClinVar:

NM_001267550.2(TTN):c.36187G>A (p.Val12063Ile)

Gene: TTN (titin; minus strand). Cytogenetic location: 2q31.2.
Variant type: single nucleotide variant.
Coding change: c.36187G>A on transcript NM_001267550.2 (MANE Select); coding-DNA position 36187, G replaced by A.
Protein change: p.Val12063Ile; replaces valine 12063 with isoleucine.
Molecular consequence: missense variant. On other transcripts: intron variant (5).
Genome position (GRCh38, 1-based): chr2:178,664,669, C>T on the plus strand (G>A on the coding strand, the complement: TTN is on the minus strand). VCF-style: chr2-178664669-C-T. GRCh37 (hg19) VCF-style: chr2-179529396-C-T.
Other names: c.13283-22352G>A (NM_003319.4); c.13859-22352G>A (NM_133437.4); c.13658-22352G>A (NM_133432.3); c.31484-1614G>A (NM_133378.4); c.34265-1614G>A (NM_001256850.1); short protein forms V12063I.
Identifiers: ClinVar variation 3340993 (VCV003340993.2).

ClinVar aggregate classification (germline): Uncertain significance. Review status: criteria provided, multiple submitters, no conflicts (2 of 4 stars). 2 submissions from 2 submitters: Uncertain significance (2). Last evaluated 2025-09-24.

Conditions:
TTN-related disorder. Also called: TTN-related condition; TTN-related disease; TTN-related disorders.

gnomAD v4.1: 13 of 1,612,374 alleles (0.00081%); highest among the groups gnomAD compares: African/African-American, 0.015%; no homozygotes.

Submissions (2):

PreventionGenetics, part of Exact Sciences
Classification: Uncertain significance for TTN-related condition. Last evaluated: 2025-09-24. Review status: criteria provided, single submitter. Criteria: ACMG Guidelines, 2015. Collection method: clinical testing. Allele origin: germline.
Comment: The TTN c.36187G>A variant is predicted to result in the amino acid substitution p.Val12063Ile. To our knowledge, this variant has not been reported in the literature. This variant is reported in 0.013% of alleles in individuals of African descent in gnomAD. At this time, the clinical significance of this variant is uncertain due to the absence of conclusive functional and genetic evidence.

GeneDx
Classification: Uncertain significance. Last evaluated: 2023-12-12. Review status: criteria provided, single submitter. Criteria: GeneDx Variant Classification Process June 2021. Collection method: clinical testing. Allele origin: germline. Affected: yes.
Comment: Not observed at significant frequency in large population cohorts (gnomAD); Missense variant in a gene in which most reported pathogenic variants are truncating/loss of function; Has not been previously published as pathogenic or benign to our knowledge